The following is an entry in ClinVar:

NM_001846.4(COL4A2):c.2408G>A (p.Gly803Asp)

Gene: COL4A2 (collagen type IV alpha 2 chain; plus strand). Cytogenetic location: 13q34.
Variant type: single nucleotide variant.
Coding change: c.2408G>A on transcript NM_001846.4 (MANE Select); coding-DNA position 2408, G replaced by A.
Protein change: p.Gly803Asp; replaces glycine 803 with aspartic acid.
Molecular consequence: missense variant.
Genome position (GRCh38, 1-based): chr13:110,473,133, G>A. VCF-style: chr13-110473133-G-A. GRCh37 (hg19) VCF-style: chr13-111125480-G-A.
Other names: short protein forms G803D.
Identifiers: ClinVar variation 2822119 (VCV002822119.3), dbSNP rs2502142953, ClinGen allele CA388742715.
Genomic context (GRCh38, chr13:110,473,133, plus strand): 5'-CACGGGGAGATGCTGGTGTGCCTGGACAGCCTGGGCTTAAAGGCCTTCCCGGAGACAGAG[G>A]CCCCCCTGGATTCAGAGGTGAGTGCCCCATCGGGGAGCCGGGGGCCCCATCCCAGATGCA-3'
Protein context (NP_001837.2, residues 793-813): PGLKGLPGDR[Gly803Asp]PPGFRGSQGM

ClinVar aggregate classification (germline): Uncertain significance (1 of 4 stars; one submission).

Submission:

Labcorp Genetics (formerly Invitae), Labcorp
Classification: Uncertain significance. Last evaluated: 2023-12-19. Review status: criteria provided, single submitter. Criteria: Invitae Variant Classification Sherloc (09022015). Collection method: clinical testing. Allele origin: germline.
Comment: This sequence change replaces glycine, which is neutral and non-polar, with aspartic acid, which is acidic and polar, at codon 803 of the COL4A2 protein (p.Gly803Asp). This variant is not present in population databases (gnomAD no frequency). This variant has not been reported in the literature in individuals affected with COL4A2-related conditions. Advanced modeling of protein sequence and biophysical properties (such as structural, functional, and spatial information, amino acid conservation, physicochemical variation, residue mobility, and thermodynamic stability) has been performed at Invitae for this missense variant, however the output from this modeling did not meet the statistical confidence thresholds required to predict the impact of this variant on COL4A2 protein function. In summary, the available evidence is currently insufficient to determine the role of this variant in disease. Therefore, it has been classified as a Variant of Uncertain Significance.